The following is an entry in ClinVar:

NM_000157.4(GBA1):c.473T>G (p.Ile158Ser)

Genes: GBA1 (glucosylceramidase beta 1; minus strand), LOC106627981 (GBA recombination region; plus strand). Cytogenetic location: 1q22.
Variant type: single nucleotide variant.
Coding change: c.473T>G on transcript NM_000157.4 (MANE Select); coding-DNA position 473, T replaced by G.
Protein change: p.Ile158Ser; replaces isoleucine 158 with serine.
Molecular consequence: missense variant.
Genome position (GRCh38, 1-based): chr1:155,238,632, A>C on the plus strand (T>G on the coding strand, the complement: GBA1 is on the minus strand). VCF-style: chr1-155238632-A-C. GRCh37 (hg19) VCF-style: chr1-155208423-A-C.
Other names: c.473T>G, p.Ile158Ser (NM_001005741.3, NM_001005742.3); c.212T>G, p.Ile71Ser (NM_001171811.2); c.326T>G, p.Ile109Ser (NM_001171812.2); short protein forms I109S, I158S, I71S.
Identifiers: ClinVar variation 4817768 (VCV004817768.1).

ClinVar aggregate classification (germline): Likely pathogenic (1 of 4 stars; one submission).

Conditions:
Gaucher disease. Also called: Acute cerebral Gaucher disease; Cerebroside lipidosis syndrome; Gaucher splenomegaly; Sphingolipidosis 1; Glucocerebrosidosis; Glucosylceramidase deficiency. Identifiers: Orphanet 355, MedGen C0017205, MONDO:0018150.

Submission:

Natera, Inc.
Classification: Likely pathogenic for Gaucher disease. Last evaluated: 2025-12-15. Review status: criteria provided, single submitter. Criteria: Natera Variant Classification Schema (03/2026). Collection method: clinical testing. Allele origin: germline.
Comment: The c.473T>G variant in GBA1 is a missense variant predicted to cause substitution of isoleucine to serine at amino acid 158. This variant is rare in the general population with a frequency below the threshold expected for the associated phenotype(s). This variant has been observed in one or more individuals affected with the associated recessive disease, as either homozygous or compound heterozygous with a second variant (PMID: 15605411). Functional studies show that this variant may disrupt protein function (PMID: 15605411). Given the available evidence, this variant is classified as Likely Pathogenic.

Literature cited by the submitters: PubMed 15605411.